The following is an entry in ClinVar:

ClinVar aggregate classification (germline): Uncertain significance (1 of 4 stars; one submission).

Submission:

Labcorp Genetics (formerly Invitae), Labcorp
Classification: Uncertain significance. Last evaluated: 2024-07-19. Review status: criteria provided, single submitter. Criteria: Invitae Variant Classification Sherloc (09022015). Collection method: clinical testing. Allele origin: germline.
Comment: This sequence change falls in intron 4 of the CYP7A1 gene. It does not directly change the encoded amino acid sequence of the CYP7A1 protein. This variant is not present in population databases (gnomAD no frequency). This variant has not been reported in the literature in individuals affected with CYP7A1-related conditions. Algorithms developed to predict the effect of sequence changes on RNA splicing suggest that this variant may create or strengthen a splice site. In summary, the available evidence is currently insufficient to determine the role of this variant in disease. Therefore, it has been classified as a Variant of Uncertain Significance.

NM_000780.4(CYP7A1):c.1040-5T>G

Genes: CYP7A1 (cytochrome P450 family 7 subfamily A member 1; minus strand), LOC126860400 (BRD4-independent group 4 enhancer GRCh37_chr8:59404317-59405516; plus strand). Cytogenetic location: 8q12.1.
Variant type: single nucleotide variant.
Coding change: c.1040-5T>G on transcript NM_000780.4 (MANE Select); 5 bases into the intron before coding-DNA position 1040, T replaced by G.
Molecular consequence: intron variant.
Genome position (GRCh38, 1-based): chr8:58,492,533, A>C on the plus strand (T>G on the coding strand, the complement: CYP7A1 is on the minus strand). VCF-style: chr8-58492533-A-C. GRCh37 (hg19) VCF-style: chr8-59405092-A-C.
Identifiers: ClinVar variation 3659885 (VCV003659885.2).